The following is an entry in ClinVar:

NM_000282.4(PCCA):c.1763C>A (p.Ser588Ter)

Gene: PCCA (propionyl-CoA carboxylase subunit alpha; plus strand). Cytogenetic location: 13q32.3.
Variant type: single nucleotide variant.
Coding change: c.1763C>A on transcript NM_000282.4 (MANE Select); coding-DNA position 1763, C replaced by A.
Protein change: p.Ser588Ter; replaces serine 588 with a stop codon.
Molecular consequence: nonsense. On other transcripts: non-coding transcript variant (5).
Genome position (GRCh38, 1-based): chr13:100,425,649, C>A. VCF-style: chr13-100425649-C-A. GRCh37 (hg19) VCF-style: chr13-101077903-C-A.
Other names: c.1685C>A, p.Ser562Ter (NM_001127692.3, NM_001352607.2); c.1763C>A, p.Ser588Ter (NM_001178004.2, NM_001352605.2, NM_001352609.2); c.1619C>A, p.Ser540Ter (NM_001352606.2); c.1541C>A, p.Ser514Ter (NM_001352608.2); c.818C>A, p.Ser273Ter (NM_001352610.2, NM_001352611.2); c.674C>A, p.Ser225Ter (NM_001352612.2); short protein forms S273*, S562*, S588*, S225*, S514*, S540*.
Identifiers: ClinVar variation 2075809 (VCV002075809.4), dbSNP rs532947142, ClinGen allele CA388696760.

ClinVar aggregate classification (germline): Pathogenic (1 of 4 stars; one submission).

Conditions:
Propionic acidemia (PROP). Also called: GLYCINEMIA, KETOTIC; HYPERGLYCINEMIA WITH KETOACIDOSIS AND LEUKOPENIA; KETOTIC HYPERGLYCINEMIA. Identifiers: Orphanet 35, MedGen C0268579, MONDO:0011628, OMIM 606054, HP:0003571.

Submission:

Labcorp Genetics (formerly Invitae), Labcorp
Classification: Pathogenic for Propionic acidemia. Last evaluated: 2022-08-31. Review status: criteria provided, single submitter. Criteria: Invitae Variant Classification Sherloc (09022015). Collection method: clinical testing. Allele origin: germline.
Comment: This sequence change creates a premature translational stop signal (p.Ser588*) in the PCCA gene. It is expected to result in an absent or disrupted protein product. Loss-of-function variants in PCCA are known to be pathogenic (PMID: 15464417). This variant is not present in population databases (gnomAD no frequency). This variant has not been reported in the literature in individuals affected with PCCA-related conditions. For these reasons, this variant has been classified as Pathogenic.

Literature cited by the submitters: PubMed 15464417.